The following is an entry in ClinVar:

NM_001379286.1(ZNF423):c.2283G>A (p.Thr761=)

Gene: ZNF423 (zinc finger protein 423; minus strand). Cytogenetic location: 16q12.1.
Variant type: single nucleotide variant.
Coding change: c.2283G>A on transcript NM_001379286.1 (MANE Select); coding-DNA position 2283, G replaced by A.
Protein change: p.Thr761=; no amino-acid change (threonine 761 retained).
Molecular consequence: synonymous variant.
Genome position (GRCh38, 1-based): chr16:49,636,893, C>T on the plus strand (G>A on the coding strand, the complement: ZNF423 is on the minus strand). VCF-style: chr16-49636893-C-T. GRCh37 (hg19) VCF-style: chr16-49670804-C-T.
Other names: c.2079G>A, p.Thr693= (NM_001271620.2); c.1908G>A, p.Thr636= (NM_001330533.2); c.2259G>A, p.Thr753= (NM_015069.5); c.2259G>A (NM_015069.4).
Identifiers: ClinVar variation 1447884 (VCV001447884.11), dbSNP rs758301410, ClinGen allele CA8046536.

ClinVar aggregate classification (germline): Likely benign. Review status: criteria provided, multiple submitters, no conflicts (2 of 4 stars). 3 submissions from 3 submitters: Likely benign (2). 1 of the submissions does not count toward it. Last evaluated 2025-01-23.

Conditions:
ZNF423-related disorder. Also called: ZNF423-related condition.
Nephronophthisis 14 (NPHP14). Identifiers: Orphanet 2318, MedGen C3539071, MONDO:0013916, OMIM 614844.

Allele frequency attached by ClinVar (database versions not stated): ExAC 0.00003; gnomAD exomes 0.00003; gnomAD 0.00005 and 0.00006; TOPMed 0.00006.
gnomAD v4.1: 64 of 1,613,872 alleles (0.004%); highest among the groups gnomAD compares: Middle Eastern, 0.016%; no homozygotes.

Submissions (3):

Labcorp Genetics (formerly Invitae), Labcorp
Classification: Likely benign for Nephronophthisis 14. Last evaluated: 2025-01-23. Review status: criteria provided, single submitter. Criteria: Invitae Variant Classification Sherloc (09022015). Collection method: clinical testing. Allele origin: germline.

Blueprint Genetics
Classification: Likely benign. Last evaluated: 2022-08-18. Review status: criteria provided, single submitter. Criteria: ACMG Guidelines, 2015. Collection method: clinical testing. Allele origin: germline.

PreventionGenetics, part of Exact Sciences
Classification: Likely benign for ZNF423-related condition. Last evaluated: 2019-05-21. Review status: no assertion criteria provided. Collection method: clinical testing. Allele origin: germline. Not counted in ClinVar's aggregate classification.
Comment: This variant is classified as likely benign based on ACMG/AMP sequence variant interpretation guidelines (Richards et al. 2015 PMID: 25741868, with internal and published modifications).